The following is an entry in ClinVar:

ClinVar aggregate classification (germline): Uncertain significance (1 of 4 stars; one submission).

Allele frequency attached by ClinVar (database versions not stated): gnomAD exomes below 0.00001; ExAC 0.00001.
gnomAD v4.1: 1 of 1,614,074 alleles (0.000062%); highest among the groups gnomAD compares: African/African-American, 0.0013%; no homozygotes.

Submission:

Labcorp Genetics (formerly Invitae), Labcorp
Classification: Uncertain significance. Last evaluated: 2023-03-27. Review status: criteria provided, single submitter. Criteria: Invitae Variant Classification Sherloc (09022015). Collection method: clinical testing. Allele origin: germline.
Comment: In summary, the available evidence is currently insufficient to determine the role of this variant in disease. Therefore, it has been classified as a Variant of Uncertain Significance. This sequence change replaces serine, which is neutral and polar, with leucine, which is neutral and non-polar, at codon 1170 of the ERBIN protein (p.Ser1170Leu). This variant is present in population databases (rs777276143, gnomAD 0.007%). This variant has not been reported in the literature in individuals affected with ERBIN-related conditions. An algorithm developed to predict the effect of missense changes on protein structure and function (PolyPhen-2) suggests that this variant is likely to be disruptive.

NM_001253697.2(ERBIN):c.3509C>T (p.Ser1170Leu)

Gene: ERBIN (erbb2 interacting protein; plus strand). Cytogenetic location: 5q12.3.
Variant type: single nucleotide variant.
Coding change: c.3509C>T on transcript NM_001253697.2 (MANE Select); coding-DNA position 3509, C replaced by T.
Protein change: p.Ser1170Leu; replaces serine 1170 with leucine.
Molecular consequence: missense variant.
Genome position (GRCh38, 1-based): chr5:66,054,827, C>T. VCF-style: chr5-66054827-C-T. GRCh37 (hg19) VCF-style: chr5-65350655-C-T.
Other names: c.3509C>T, p.Ser1170Leu (NM_001006600.3, NM_001253698.2, NM_001253699.2 and 1 more transcripts); c.3497C>T, p.Ser1166Leu (NM_001253701.2); short protein forms S1166L, S1170L.
Identifiers: ClinVar variation 2850304 (VCV002850304.3), dbSNP rs777276143, ClinGen allele CA3286667.